The following is an entry in ClinVar:

NM_000256.3(MYBPC3):c.292+1G>A

Gene: MYBPC3 (myosin binding protein C3; minus strand). Cytogenetic location: 11p11.2.
Variant type: single nucleotide variant.
Coding change: c.292+1G>A on transcript NM_000256.3 (MANE Select); the canonical splice donor site of the intron after coding-DNA position 292, G replaced by A.
Molecular consequence: splice donor variant.
Genome position (GRCh38, 1-based): chr11:47,351,238, C>T on the plus strand (G>A on the coding strand, the complement: MYBPC3 is on the minus strand). VCF-style: chr11-47351238-C-T. GRCh37 (hg19) VCF-style: chr11-47372789-C-T.
Identifiers: ClinVar variation 1489518 (VCV001489518.7), dbSNP rs1433492944, ClinGen allele CA380341385.

ClinVar aggregate classification (germline): Conflicting classifications of pathogenicity. Review status: criteria provided, conflicting classifications (1 of 4 stars). 4 submissions from 4 submitters: Likely pathogenic (3); Uncertain significance (1). Last evaluated 2025-12-09.

Conditions:
Cardiomyopathy (CMYO). Also called: Cardiomyopathies. Identifiers: Orphanet 167848, MedGen C0878544, MONDO:0004994, HP:0001638. Inheritance: Various modes of inheritance.
Hypertrophic cardiomyopathy 4. Also called: Familial hypertrophic cardiomyopathy 4. Identifiers: MedGen C1861862, MONDO:0007268, OMIM 115197.
Hypertrophic cardiomyopathy. Also called: HYPERTROPHIC MYOCARDIOPATHY. Identifiers: Orphanet 217569, MedGen C0007194, MeSH D002312, MONDO:0005045, HP:0001639.

Allele frequency attached by ClinVar (database versions not stated): gnomAD exomes below 0.00001.
gnomAD v4.1: 1 of 1,356,434 alleles (0.000074%); highest among the groups gnomAD compares: East Asian, 0.0037%; no homozygotes.

Submissions (4):

Labcorp Genetics (formerly Invitae), Labcorp
Classification: Likely pathogenic for Hypertrophic cardiomyopathy. Last evaluated: 2025-12-09. Review status: criteria provided, single submitter. Criteria: Invitae Variant Classification Sherloc (09022015). Collection method: clinical testing. Allele origin: germline.
Comment: This sequence change affects a donor splice site in intron 2 of the MYBPC3 gene. It is expected to disrupt RNA splicing. Variants that disrupt the donor or acceptor splice site typically lead to a loss of protein function (PMID: 16199547), and loss-of-function variants in MYBPC3 are known to be pathogenic (PMID: 19574547). This variant is not present in population databases (gnomAD no frequency). This variant has not been reported in the literature in individuals affected with MYBPC3-related conditions. ClinVar contains an entry for this variant (Variation ID: 1489518). Algorithms developed to predict the effect of sequence changes on RNA splicing suggest that this variant may disrupt the consensus splice site. In summary, the currently available evidence indicates that the variant is pathogenic, but additional data are needed to prove that conclusively. Therefore, this variant has been classified as Likely Pathogenic.

Color Diagnostics, LLC DBA Color Health
Classification: Likely pathogenic for Cardiomyopathy. Last evaluated: 2025-09-04. Review status: criteria provided, single submitter. Criteria: ACMG Guidelines, 2015. Collection method: clinical testing. Allele origin: germline.
Comment: This variant results in the G to A nucleotide substitution at +1 position in intron 2 in the MYBPC3 gene. Splicing prediction tools indicate that this variant may impair RNA splicing and MYBPC3 gene function. To our knowledge, functional studies have not been reported for this variant. This variant has been reported in individuals affected with hypertrophic cardiomyopathy (PMID: 33241513, 33495597). This variant has not been identified in the general population by the Genome Aggregation Database (gnomAD). Loss of MYBPC3 function is a known mechanism of disease. Based on the available evidence, this variant is classified as Likely Pathogenic.

CHEO Genetics Diagnostic Laboratory, Children's Hospital of Eastern Ontario
Classification: Likely pathogenic for Cardiomyopathy. Last evaluated: 2022-05-18. Review status: criteria provided, single submitter. Criteria: ACMG Guidelines, 2015. Collection method: clinical testing. Allele origin: germline.

Neuberg Centre For Genomic Medicine, NCGM
Classification: Uncertain significance for Hypertrophic cardiomyopathy 4. Review status: criteria provided, single submitter. Criteria: ACMG Guidelines, 2015. Collection method: clinical testing. Allele origin: germline. Inheritance: Autosomal dominant inheritance. Affected: yes.
Comment: The splice site variant c.292+1G>A in MYBPC3 gene has not been reported previously as a pathogenic variant nor as a benign variant, to our knowledge. The variant is novel (not in any individuals) in 1000 Genomes and allele frequency of 0.000006253 is reported in gnomAD . The nucleotide change in MYBPC3 is predicted as conserved by GERP++ and PhyloP across 100 vertebrates.For these reasons, this variant has been classified as Uncertain Significance.

Literature cited by the submitters: PubMed 16199547 (cited by Labcorp Genetics (formerly Invitae), Labcorp); PubMed 19574547 (cited by Labcorp Genetics (formerly Invitae), Labcorp); PubMed 33241513 (cited by Color Diagnostics, LLC DBA Color Health); PubMed 33495597 (cited by Color Diagnostics, LLC DBA Color Health).